The following is an entry in ClinVar:

ClinVar aggregate classification (germline): Benign/Likely benign. Review status: criteria provided, multiple submitters, no conflicts (2 of 4 stars). 3 submissions from 3 submitters: Benign (2); Likely benign (1). Last evaluated 2026-01-19.

Allele frequency attached by ClinVar (database versions not stated): gnomAD exomes 0.00057 and 0.00140; ExAC 0.00163; gnomAD 0.00535 and 0.00571; 1000 Genomes Project 0.00559; TOPMed 0.00626; ESP Exome Variant Server 0.00627; 1000 Genomes Project 30x 0.00640.
gnomAD v4.1: 1,677 of 1,613,936 alleles (0.1%); highest among the groups gnomAD compares: African/African-American, 1.9%; 14 homozygotes.

Submissions (3):

Labcorp Genetics (formerly Invitae), Labcorp
Classification: Benign. Last evaluated: 2026-01-19. Review status: criteria provided, single submitter. Criteria: Invitae Variant Classification Sherloc (09022015). Collection method: clinical testing. Allele origin: germline.

Mayo Clinic Laboratories, Mayo Clinic
Classification: Benign. Last evaluated: 2025-03-18. Review status: criteria provided, single submitter. Criteria: ACMG Guidelines, 2015. Collection method: clinical testing. Allele origin: germline. Observed: 2 variant alleles.
Comment: BA1

Blueprint Genetics
Classification: Likely benign. Last evaluated: 2024-09-13. Review status: criteria provided, single submitter. Criteria: ACMG Guidelines, 2015. Collection method: clinical testing. Allele origin: germline.

NM_032856.5(WDR73):c.421G>A (p.Val141Ile)

Gene: WDR73 (WD repeat domain 73; minus strand). Cytogenetic location: 15q25.2.
Variant type: single nucleotide variant.
Coding change: c.421G>A on transcript NM_032856.5 (MANE Select); coding-DNA position 421, G replaced by A.
Protein change: p.Val141Ile; replaces valine 141 with isoleucine.
Molecular consequence: missense variant. On other transcripts: non-coding transcript variant (4).
Genome position (GRCh38, 1-based): chr15:84,646,280, C>T on the plus strand (G>A on the coding strand, the complement: WDR73 is on the minus strand). VCF-style: chr15-84646280-C-T. GRCh37 (hg19) VCF-style: chr15-85189511-C-T.
Other names: p.Val141Ile; c.421G>A (NM_032856.4); short protein forms V141I.
Identifiers: ClinVar variation 787125 (VCV000787125.11), dbSNP rs142883583, ClinGen allele CA7707402.